The following is an entry in ClinVar:

ClinVar aggregate classification (germline): Likely benign. Review status: criteria provided, multiple submitters, no conflicts (2 of 4 stars). 2 submissions from 2 submitters: Likely benign (2). Last evaluated 2024-04-17.

Conditions:
Lethal polymalformative syndrome, Boissel type. Also called: GROWTH RETARDATION, DEVELOPMENTAL DELAY, AND FACIAL DYSMORPHISM. Identifiers: Orphanet 210144, MedGen C2752001, MONDO:0013050, OMIM 612938.

Allele frequency attached by ClinVar (database versions not stated): 1000 Genomes Project below 0.00001; gnomAD exomes 0.00005 and 0.00021; gnomAD 0.00007 and 0.00008; TOPMed 0.00012; ExAC 0.00026.

Submissions (2):

Labcorp Genetics (formerly Invitae), Labcorp
Classification: Likely benign. Last evaluated: 2024-04-17. Review status: criteria provided, single submitter. Criteria: Invitae Variant Classification Sherloc (09022015). Collection method: clinical testing. Allele origin: germline.

Illumina Laboratory Services, Illumina
Classification: Likely benign for Lethal polymalformative syndrome, Boissel type. Last evaluated: 2018-01-13. Review status: criteria provided, single submitter. Criteria: ICSL Variant Classification Criteria 13 December 2019. Collection method: clinical testing. Allele origin: germline.
Comment: This variant was observed in the ICSL laboratory as part of a predisposition screen in an ostensibly healthy population. It had not been previously curated by ICSL or reported in the Human Gene Mutation Database (HGMD: prior to June 1st, 2018), and was therefore a candidate for classification through an automated scoring system. Utilizing variant allele frequency, disease prevalence and penetrance estimates, and inheritance mode, an automated score was calculated to assess if this variant is too frequent to cause the disease. Based on the score and internal cut-off values, a variant classified as likely benign is not then subjected to further curation. The score for this variant resulted in a classification of likely benign for this disease.

NM_001080432.3(FTO):c.430G>A (p.Asp144Asn)

Gene: FTO (FTO alpha-ketoglutarate dependent dioxygenase; plus strand). Cytogenetic location: 16q12.2.
Variant type: single nucleotide variant.
Coding change: c.430G>A on transcript NM_001080432.3 (MANE Select); coding-DNA position 430, G replaced by A.
Protein change: p.Asp144Asn; replaces aspartic acid 144 with asparagine.
Molecular consequence: missense variant.
Genome position (GRCh38, 1-based): chr16:53,826,170, G>A. VCF-style: chr16-53826170-G-A. GRCh37 (hg19) VCF-style: chr16-53860082-G-A.
Other names: c.430G>A, p.Asp144Asn (NM_001363891.2, NM_001363894.2, NM_001363896.2 and 6 more transcripts); c.352G>A, p.Asp118Asn (NM_001363897.2); c.-84G>A (NM_001363905.2); short protein forms D144N, D118N.
Identifiers: ClinVar variation 884923 (VCV000884923.11), dbSNP rs201086068, ClinGen allele CA8058376.